The following is an entry in ClinVar:

ClinVar aggregate classification (germline): Uncertain significance (1 of 4 stars; one submission).

Conditions:
Hereditary breast ovarian cancer syndrome. Also called: Hereditary breast and ovarian cancer syndrome; Hereditary breast and ovarian cancer syndrome (HBOC); BRCA1- and BRCA2-Associated Hereditary Breast and Ovarian Cancer; Hereditary breast and ovarian cancer; Breast and ovarian cancer; Hereditary breast and/or ovarian cancer syndrome. Identifiers: Orphanet 145, MedGen C0677776, MeSH D061325, MONDO:0003582. Disease mechanism: loss of function.

Submission:

Labcorp Genetics (formerly Invitae), Labcorp
Classification: Uncertain significance for Hereditary breast ovarian cancer syndrome. Last evaluated: 2024-11-19. Review status: criteria provided, single submitter. Criteria: Invitae Variant Classification Sherloc (09022015). Collection method: clinical testing. Allele origin: germline.
Comment: This sequence change replaces threonine, which is neutral and polar, with alanine, which is neutral and non-polar, at codon 1449 of the BRCA1 protein (p.Thr1449Ala). This variant is not present in population databases (gnomAD no frequency). This variant has not been reported in the literature in individuals affected with BRCA1-related conditions. An algorithm developed to predict the effect of missense changes on protein structure and function outputs the following: PolyPhen-2: "Benign". The alanine amino acid residue is found in multiple mammalian species, which suggests that this missense change does not adversely affect protein function. In summary, the available evidence is currently insufficient to determine the role of this variant in disease. Therefore, it has been classified as a Variant of Uncertain Significance.

NM_007294.4(BRCA1):c.4345A>G (p.Thr1449Ala)

Gene: BRCA1 (BRCA1 DNA repair associated; minus strand). Cytogenetic location: 17q21.31.
Variant type: single nucleotide variant.
Coding change: c.4345A>G on transcript NM_007294.4 (MANE Select); coding-DNA position 4345, A replaced by G.
Protein change: p.Thr1449Ala; replaces threonine 1449 with alanine.
Molecular consequence: missense variant.
Genome position (GRCh38, 1-based): chr17:43,082,416, T>C on the plus strand (A>G on the coding strand, the complement: BRCA1 is on the minus strand). VCF-style: chr17-43082416-T-C. GRCh37 (hg19) VCF-style: chr17-41234433-T-C.
Other names: c.4132A>G, p.Thr1378Ala (NM_001407918.1, NM_001407853.1, NM_001407894.1 and 12 more transcripts); c.4222A>G, p.Thr1408Ala (NM_001407919.1, NM_001407938.1, NM_001407937.1 and 13 more transcripts); c.4081A>G, p.Thr1361Ala (NM_001407920.1, NM_001407921.1, NM_001407922.1 and 7 more transcripts); c.4078A>G, p.Thr1360Ala (NM_001407930.1, NM_001407931.1, NM_001407935.1 and 3 more transcripts); c.4075A>G, p.Thr1359Ala (NM_001407934.1); c.4342A>G, p.Thr1448Ala (NM_001407635.1, NM_001407636.1, NM_001407637.1 and 21 more transcripts); c.4339A>G, p.Thr1447Ala (NM_001407644.1, NM_001407645.1, NM_001407627.1 and 5 more transcripts); c.4333A>G, p.Thr1445Ala (NM_001407646.1, NM_001407647.1); and 51 more; short protein forms T1153A, T1322A, T1379A, T1337A, T1336A, T1377A, T1400A, T1401A.
Identifiers: ClinVar variation 3634640 (VCV003634640.2).